The following is an entry in ClinVar:

ClinVar aggregate classification (germline): Uncertain significance. Review status: criteria provided, multiple submitters, no conflicts (2 of 4 stars). 2 submissions from 2 submitters: Uncertain significance (2). Last evaluated 2025-11-08.

Conditions:
Hereditary cancer-predisposing syndrome. Also called: Hereditary neoplastic syndrome; Hereditary Cancer Syndrome; Neoplastic Syndromes, Hereditary; Tumor predisposition. Identifiers: Orphanet 140162, MedGen C0027672, MeSH D009386, MONDO:0015356.
Gorlin syndrome. Also called: Nevoid Basal Cell Carcinoma Syndrome; Basal cell nevus syndrome. Identifiers: Orphanet 377, MedGen C0004779, MONDO:0007187.

Submissions (2):

Ambry Genetics
Classification: Uncertain significance for Hereditary cancer-predisposing syndrome. Last evaluated: 2025-11-08. Review status: criteria provided, single submitter. Criteria: Ambry Variant Classification Scheme 2023. Collection method: clinical testing. Allele origin: germline.

Labcorp Genetics (formerly Invitae), Labcorp
Classification: Uncertain significance for Gorlin syndrome. Last evaluated: 2023-09-27. Review status: criteria provided, single submitter. Criteria: Invitae Variant Classification Sherloc (09022015). Collection method: clinical testing. Allele origin: germline.
Comment: Advanced modeling of protein sequence and biophysical properties (such as structural, functional, and spatial information, amino acid conservation, physicochemical variation, residue mobility, and thermodynamic stability) has been performed at Invitae for this missense variant, however the output from this modeling did not meet the statistical confidence thresholds required to predict the impact of this variant on PTCH1 protein function. This variant has not been reported in the literature in individuals affected with PTCH1-related conditions. This variant is not present in population databases (gnomAD no frequency). This sequence change replaces leucine, which is neutral and non-polar, with proline, which is neutral and non-polar, at codon 1138 of the PTCH1 protein (p.Leu1138Pro). In summary, the available evidence is currently insufficient to determine the role of this variant in disease. Therefore, it has been classified as a Variant of Uncertain Significance.

NM_000264.5(PTCH1):c.3413T>C (p.Leu1138Pro)

Gene: PTCH1 (patched 1; minus strand). Cytogenetic location: 9q22.32.
Variant type: single nucleotide variant.
Coding change: c.3413T>C on transcript NM_000264.5 (MANE Select); coding-DNA position 3413, T replaced by C.
Protein change: p.Leu1138Pro; replaces leucine 1138 with proline.
Molecular consequence: missense variant. On other transcripts: non-coding transcript variant (1).
Genome position (GRCh38, 1-based): chr9:95,453,514, A>G on the plus strand (T>C on the coding strand, the complement: PTCH1 is on the minus strand). VCF-style: chr9-95453514-A-G. GRCh37 (hg19) VCF-style: chr9-98215796-A-G.
Other names: c.3215T>C, p.Leu1072Pro (NM_001083602.3); c.3410T>C, p.Leu1137Pro (NM_001083603.3); c.2960T>C, p.Leu987Pro (NM_001083604.3, NM_001083605.3, NM_001083606.3 and 1 more transcripts); c.3257T>C, p.Leu1086Pro (NM_001354918.2); short protein forms L1137P, L1072P, L987P, L1086P, L1138P.
Identifiers: ClinVar variation 2763896 (VCV002763896.5), dbSNP rs2538040500, ClinGen allele CA374111724.
Genomic context (GRCh38, chr9:95,453,514, plus strand): 5'-GTCTCCTTGCACACGCCTGCTTACCTGACAATGAAGTCGAACTCAGATCCCGCCAGCATC[A>G]GCACTCCCAGCAGAGTGGACACGGCGCCATCCAGGACGGGTGCAAACATGTGCTCCAGGG-3'
Protein context (NP_000255.2, residues 1128-1148): DGAVSTLLGV[Leu1138Pro]MLAGSEFDFI